The following is an entry in ClinVar:

ClinVar aggregate classification (germline): Uncertain significance (1 of 4 stars; one submission).

Conditions:
Cornelia de Lange syndrome 3 (CDLS3). Also called: SMC3-Related Cornelia de Lange Syndrome; CORNELIA DE LANGE SYNDROME 3 WITH OR WITHOUT MIDLINE BRAIN DEFECTS. Identifiers: Orphanet 199, MedGen C1853099, MONDO:0012555, OMIM 610759.

gnomAD v4.1: 3 of 1,614,044 alleles (0.00019%); highest among the groups gnomAD compares: Non-Finnish European, 0.00025%; no homozygotes.

Submission:

Labcorp Genetics (formerly Invitae), Labcorp
Classification: Uncertain significance for Cornelia de Lange syndrome 3. Last evaluated: 2024-10-20. Review status: criteria provided, single submitter. Criteria: Invitae Variant Classification Sherloc (09022015). Collection method: clinical testing. Allele origin: germline.
Comment: This sequence change replaces proline, which is neutral and non-polar, with leucine, which is neutral and non-polar, at codon 1136 of the SMC3 protein (p.Pro1136Leu). This variant is present in population databases (rs752555183, gnomAD 0.002%). This variant has not been reported in the literature in individuals affected with SMC3-related conditions. Invitae Evidence Modeling of protein sequence and biophysical properties (such as structural, functional, and spatial information, amino acid conservation, physicochemical variation, residue mobility, and thermodynamic stability) indicates that this missense variant is expected to disrupt SMC3 protein function with a positive predictive value of 95%. In summary, the available evidence is currently insufficient to determine the role of this variant in disease. Therefore, it has been classified as a Variant of Uncertain Significance.

NM_005445.4(SMC3):c.3407C>T (p.Pro1136Leu)

Gene: SMC3 (structural maintenance of chromosomes 3; plus strand). Cytogenetic location: 10q25.2.
Variant type: single nucleotide variant.
Coding change: c.3407C>T on transcript NM_005445.4 (MANE Select); coding-DNA position 3407, C replaced by T.
Protein change: p.Pro1136Leu; replaces proline 1136 with leucine.
Molecular consequence: missense variant.
Genome position (GRCh38, 1-based): chr10:110,602,934, C>T. VCF-style: chr10-110602934-C-T. GRCh37 (hg19) VCF-style: chr10-112362692-C-T.
Other names: short protein forms P1136L.
Identifiers: ClinVar variation 3661265 (VCV003661265.2).
Genomic context (GRCh38, chr10:110,602,934, plus strand): 5'-CAGGTGGACAGAAATCCTTGGTAGCCCTTGCTCTGATTTTTGCCATTCAGAAATGTGACC[C>T]GGCTCCATTTTACTTGTTTGATGAAATTGACCAGGCTCTGGATGCTCAGCACAGAAAGGC-3'
Protein context (NP_005436.1, residues 1126-1146): ALIFAIQKCD[Pro1136Leu]APFYLFDEID